The following is an entry in ClinVar:

ClinVar aggregate classification (germline): Uncertain significance (1 of 4 stars; one submission).

Submission:

Labcorp Genetics (formerly Invitae), Labcorp
Classification: Uncertain significance. Last evaluated: 2025-08-27. Review status: criteria provided, single submitter. Criteria: Invitae Variant Classification Sherloc (09022015). Collection method: clinical testing. Allele origin: germline.
Comment: This sequence change replaces proline, which is neutral and non-polar, with serine, which is neutral and polar, at codon 82 of the LRP2 protein (p.Pro82Ser). This variant is not present in population databases (gnomAD no frequency). This variant has not been reported in the literature in individuals affected with LRP2-related conditions. ClinVar contains an entry for this variant (Variation ID: 2127634). Invitae Evidence Modeling of protein sequence and biophysical properties (such as structural, functional, and spatial information, amino acid conservation, physicochemical variation, residue mobility, and thermodynamic stability) indicates that this missense variant is not expected to disrupt LRP2 protein function with a negative predictive value of 95%. In summary, the available evidence is currently insufficient to determine the role of this variant in disease. Therefore, it has been classified as a Variant of Uncertain Significance.

NM_004525.3(LRP2):c.244C>T (p.Pro82Ser)

Gene: LRP2 (LDL receptor related protein 2; minus strand). Cytogenetic location: 2q31.1.
Variant type: single nucleotide variant.
Coding change: c.244C>T on transcript NM_004525.3 (MANE Select); coding-DNA position 244, C replaced by T.
Protein change: p.Pro82Ser; replaces proline 82 with serine.
Molecular consequence: missense variant.
Genome position (GRCh38, 1-based): chr2:169,318,828, G>A on the plus strand (C>T on the coding strand, the complement: LRP2 is on the minus strand). VCF-style: chr2-169318828-G-A. GRCh37 (hg19) VCF-style: chr2-170175338-G-A.
Other names: short protein forms P82S.
Identifiers: ClinVar variation 2127634 (VCV002127634.4), dbSNP rs2528664586, ClinGen allele CA349173753.